The following is an entry in ClinVar:

NM_006073.4(TRDN):c.1188A>G (p.Lys396=)

Gene: TRDN (triadin; minus strand). Cytogenetic location: 6q22.31.
Variant type: single nucleotide variant.
Coding change: c.1188A>G on transcript NM_006073.4 (MANE Select); coding-DNA position 1188, A replaced by G.
Protein change: p.Lys396=; no amino-acid change (lysine 396 retained).
Molecular consequence: synonymous variant.
Genome position (GRCh38, 1-based): chr6:123,377,897, T>C on the plus strand (A>G on the coding strand, the complement: TRDN is on the minus strand). VCF-style: chr6-123377897-T-C. GRCh37 (hg19) VCF-style: chr6-123699042-T-C.
Other names: p.Lys396=; c.1191A>G, p.Lys397= (NM_001251987.2).
Identifiers: ClinVar variation 227106 (VCV000227106.30), dbSNP rs6901953, ClinGen allele CA3984079.

ClinVar aggregate classification (germline): Benign. Review status: criteria provided, multiple submitters, no conflicts (2 of 4 stars). 12 submissions from 12 submitters: Benign (10). 2 of the submissions do not count toward it. Last evaluated 2026-02-04.

Conditions:
Cardiovascular phenotype. Identifiers: MedGen CN230736.
Catecholaminergic polymorphic ventricular tachycardia 5 (CARDAR). Also called: Ventricular tachycardia, catecholaminergic polymorphic, 5, with or without muscle weakness; CARDIAC ARRHYTHMIA SYNDROME, WITH OR WITHOUT SKELETAL MUSCLE WEAKNESS. Identifiers: Orphanet 3286, MedGen C3809536, MONDO:0014191, OMIM 615441.
Catecholaminergic polymorphic ventricular tachycardia 1. Also called: VENTRICULAR TACHYCARDIA, STRESS-INDUCED POLYMORPHIC 1; VENTRICULAR TACHYCARDIA, CATECHOLAMINERGIC POLYMORPHIC, 1, WITH OR WITHOUT ATRIAL DYSFUNCTION AND/OR DILATED CARDIOMYOPATHY; RYR2-Related Catecholaminergic Polymorphic Ventricular Tachycardia. Identifiers: Orphanet 3286, MedGen C1631597, MONDO:0011484, OMIM 604772.

Allele frequency attached by ClinVar (database versions not stated): 1000 Genomes Project 0.27216; 1000 Genomes Project 30x 0.27951; gnomAD exomes 0.33313; ExAC 0.34231; TOPMed 0.36148; gnomAD 0.34607 and 0.35392; ESP Exome Variant Server 0.35442.
gnomAD v4.1: 520,610 of 1,470,594 alleles (35%); highest among the groups gnomAD compares: Admixed American, 41%; 95,898 homozygotes.

Submissions (12):

Labcorp Genetics (formerly Invitae), Labcorp
Classification: Benign for Catecholaminergic polymorphic ventricular tachycardia 1. Last evaluated: 2026-02-04. Review status: criteria provided, single submitter. Criteria: Invitae Variant Classification Sherloc (09022015). Collection method: clinical testing. Allele origin: germline.

Molecular Diagnostic Laboratory for Inherited Cardiovascular Disease, Montreal Heart Institute
Classification: Benign. Last evaluated: 2025-04-09. Review status: criteria provided, single submitter. Criteria: ACMG Guidelines, 2015. Collection method: clinical testing. Allele origin: germline. Affected: no.

Blueprint Genetics
Classification: Benign. Last evaluated: 2024-11-27. Review status: criteria provided, single submitter. Criteria: ACMG Guidelines, 2015. Collection method: clinical testing. Allele origin: germline.

Women's Health and Genetics/Laboratory Corporation of America, LabCorp
Classification: Benign. Last evaluated: 2023-04-04. Review status: criteria provided, single submitter. Criteria: LabCorp Variant Classification Summary - May 2015. Collection method: clinical testing. Allele origin: germline.

Mayo Clinic Laboratories, Mayo Clinic
Classification: Benign. Last evaluated: 2022-04-26. Review status: criteria provided, single submitter. Criteria: ACMG Guidelines, 2015. Collection method: clinical testing. Allele origin: germline. Observed: 518 variant alleles.

Genome-Nilou Lab
Classification: Benign for Catecholaminergic polymorphic ventricular tachycardia 5. Last evaluated: 2021-09-10. Review status: criteria provided, single submitter. Criteria: ACMG Guidelines, 2015. Collection method: clinical testing. Allele origin: germline. Affected: no.

GeneDx
Classification: Benign. Last evaluated: 2016-09-27. Review status: criteria provided, single submitter. Criteria: GeneDx Variant Classification (06012015). Collection method: clinical testing. Allele origin: germline. Affected: yes.
Comment: This variant is considered likely benign or benign based on one or more of the following criteria: it is a conservative change, it occurs at a poorly conserved position in the protein, it is predicted to be benign by multiple in silico algorithms, and/or has population frequency not consistent with disease.

Ambry Genetics
Classification: Benign for Cardiovascular phenotype. Last evaluated: 2015-03-09. Review status: criteria provided, single submitter. Criteria: Ambry Variant Classification Scheme 2023. Collection method: clinical testing. Allele origin: germline.

Laboratory for Molecular Medicine, Mass General Brigham Personalized Medicine
Classification: Benign. Last evaluated: 2014-11-24. Review status: criteria provided, single submitter. Criteria: LMM Criteria. Collection method: clinical testing. Allele origin: germline. Observed: 343 variant alleles.
Comment: Lys396Lys in exon 17 of TRDN: This variant is not expected to have clinical sign ificance because it does not alter an amino acid residue and is not located with in the splice consensus sequence. It has been identified in 36.4% (2890/7950) of European American chromosomes from a broad population by the NHLBI Exome Sequen cing Project (dbSNP rs6901953).

PreventionGenetics, part of Exact Sciences
Classification: Benign. Review status: criteria provided, single submitter. Criteria: ACMG Guidelines, 2015. Collection method: clinical testing. Allele origin: germline.

Clinical Genetics, Academic Medical Center
Classification: Benign. Review status: no assertion criteria provided. Collection method: clinical testing. Allele origin: germline. Affected: yes. Study: VKGL Data-share Consensus. Not counted in ClinVar's aggregate classification.

Diagnostic Laboratory, Department of Genetics, University Medical Center Groningen
Classification: Benign. Review status: no assertion criteria provided. Collection method: clinical testing. Allele origin: germline. Affected: yes. Study: VKGL Data-share Consensus. Not counted in ClinVar's aggregate classification.